The following is an entry in ClinVar:

NM_003285.3(TNR):c.998G>A (p.Arg333Gln)

Gene: TNR (tenascin R; minus strand). Cytogenetic location: 1q25.1.
Variant type: single nucleotide variant.
Coding change: c.998G>A on transcript NM_003285.3 (MANE Select); coding-DNA position 998, G replaced by A.
Protein change: p.Arg333Gln; replaces arginine 333 with glutamine.
Molecular consequence: missense variant. On other transcripts: intron variant (1).
Genome position (GRCh38, 1-based): chr1:175,396,786, C>T on the plus strand (G>A on the coding strand, the complement: TNR is on the minus strand). VCF-style: chr1-175396786-C-T. GRCh37 (hg19) VCF-style: chr1-175365922-C-T.
Other names: c.82-83G>A (NM_001328635.2); short protein forms R333Q.
Identifiers: ClinVar variation 2228239 (VCV002228239.2), dbSNP rs776885692, ClinGen allele CA1256041.

ClinVar aggregate classification (germline): Uncertain significance (1 of 4 stars; one submission).

Conditions:
Inborn genetic diseases. Identifiers: MedGen C0950123, MeSH D030342.

Allele frequency attached by ClinVar (database versions not stated): TOPMed below 0.00001.
gnomAD v4.1: 8 of 1,613,870 alleles (0.0005%); highest among the groups gnomAD compares: East Asian, 0.0045%; no homozygotes.

Submission:

Ambry Genetics
Classification: Uncertain significance for Inborn genetic diseases. Last evaluated: 2020-12-08. Review status: criteria provided, single submitter. Criteria: Ambry Variant Classification Scheme 2023. Collection method: clinical testing. Allele origin: germline.
Comment: The c.998G>A (p.R333Q) alteration is located in exon 5 (coding exon 3) of the TNR gene. This alteration results from a G to A substitution at nucleotide position 998, causing the arginine (R) at amino acid position 333 to be replaced by a glutamine (Q). The p.R333Q alteration is predicted to be tolerated by in silico analysis. Based on insufficient or conflicting evidence, the clinical significance of this alteration remains unclear.